The following is an entry in ClinVar:

NM_004629.2(FANCG):c.1441G>A (p.Glu481Lys)

Gene: FANCG (FA complementation group G; minus strand). Cytogenetic location: 9p13.3.
Variant type: single nucleotide variant.
Coding change: c.1441G>A on transcript NM_004629.2 (MANE Select); coding-DNA position 1441, G replaced by A.
Protein change: p.Glu481Lys; replaces glutamic acid 481 with lysine.
Molecular consequence: missense variant.
Genome position (GRCh38, 1-based): chr9:35,075,318, C>T on the plus strand (G>A on the coding strand, the complement: FANCG is on the minus strand). VCF-style: chr9-35075318-C-T. GRCh37 (hg19) VCF-style: chr9-35075315-C-T.
Other names: short protein forms E481K.
Identifiers: ClinVar variation 2978013 (VCV002978013.3), dbSNP rs772460728, ClinGen allele CA373306037.

ClinVar aggregate classification (germline): Uncertain significance (1 of 4 stars; one submission).

Conditions:
Fanconi anemia (FA). Also called: Fanconi's anemia. Identifiers: Orphanet 84, MedGen C0015625, MeSH D005199, MONDO:0019391.

Submission:

Labcorp Genetics (formerly Invitae), Labcorp
Classification: Uncertain significance for Fanconi anemia. Last evaluated: 2023-08-19. Review status: criteria provided, single submitter. Criteria: Invitae Variant Classification Sherloc (09022015). Collection method: clinical testing. Allele origin: germline.
Comment: In summary, the available evidence is currently insufficient to determine the role of this variant in disease. Therefore, it has been classified as a Variant of Uncertain Significance. Advanced modeling of protein sequence and biophysical properties (such as structural, functional, and spatial information, amino acid conservation, physicochemical variation, residue mobility, and thermodynamic stability) performed at Invitae indicates that this missense variant is not expected to disrupt FANCG protein function. This variant has not been reported in the literature in individuals affected with FANCG-related conditions. This variant is not present in population databases (gnomAD no frequency). This sequence change replaces glutamic acid, which is acidic and polar, with lysine, which is basic and polar, at codon 481 of the FANCG protein (p.Glu481Lys).